The following is an entry in ClinVar:

ClinVar aggregate classification (germline): Uncertain significance (1 of 4 stars; one submission).

Allele frequency attached by ClinVar (database versions not stated): gnomAD exomes below 0.00001.
gnomAD v4.1: 2 of 1,556,066 alleles (0.00013%); highest among the groups gnomAD compares: Non-Finnish European, 0.000087%; no homozygotes.

Submission:

Labcorp Genetics (formerly Invitae), Labcorp
Classification: Uncertain significance. Last evaluated: 2024-11-18. Review status: criteria provided, single submitter. Criteria: Invitae Variant Classification Sherloc (09022015). Collection method: clinical testing. Allele origin: germline.
Comment: This sequence change replaces glycine, which is neutral and non-polar, with serine, which is neutral and polar, at codon 1018 of the GPR179 protein (p.Gly1018Ser). This variant is not present in population databases (gnomAD no frequency). This variant has not been reported in the literature in individuals affected with GPR179-related conditions. ClinVar contains an entry for this variant (Variation ID: 1404266). An algorithm developed to predict the effect of missense changes on protein structure and function outputs the following: PolyPhen-2: "Benign". The serine amino acid residue is found in multiple mammalian species, which suggests that this missense change does not adversely affect protein function. In summary, the available evidence is currently insufficient to determine the role of this variant in disease. Therefore, it has been classified as a Variant of Uncertain Significance.

NM_001004334.4(GPR179):c.3052G>A (p.Gly1018Ser)

Gene: GPR179 (G protein-coupled receptor 179; minus strand). Cytogenetic location: 17q12.
Variant type: single nucleotide variant.
Coding change: c.3052G>A on transcript NM_001004334.4 (MANE Select); coding-DNA position 3052, G replaced by A.
Protein change: p.Gly1018Ser; replaces glycine 1018 with serine.
Molecular consequence: missense variant.
Genome position (GRCh38, 1-based): chr17:38,330,517, C>T on the plus strand (G>A on the coding strand, the complement: GPR179 is on the minus strand). VCF-style: chr17-38330517-C-T. GRCh37 (hg19) VCF-style: chr17-36486400-C-T.
Other names: short protein forms G1018S.
Identifiers: ClinVar variation 1404266 (VCV001404266.8), dbSNP rs2144262283, ClinGen allele CA398880771.
Genomic context (GRCh38, chr17:38,330,517, plus strand): 5'-CTACTGCAACAGAGAGGGCCCTCCAGAGCCTGGCTCGAGCTGGGGCAGGGGAGTGGTGGC[C>T]TCGCTCTGGCCCTGAGGGGCCTTCCTGGGGCACATTTTCTTGCTTGGCTGGCAGTTCTGC-3'
Protein context (NP_001004334.3, residues 1008-1028): PQEGPSGPER[Gly1018Ser]HHSPAPARAR